The following is an entry in ClinVar:

ClinVar aggregate classification (germline): Likely pathogenic (1 of 4 stars; one submission).

Conditions:
Hypochondroplasia (HCH). Identifiers: Orphanet 429, MedGen C0410529, MONDO:0007793, OMIM 146000. Disease mechanism: gain of function.

Submission:

Genomenon, Inc
Classification: Likely pathogenic for Hypochondroplasia. Last evaluated: 2026-06-23. Review status: criteria provided, single submitter. Criteria: Genomenon Sequence Variant Interpretation Standards - Updated. Collection method: curation. Allele origin: germline. Affected: yes.
Comment: FGFR3 p.Gly382Asp (c.1145G>A) is a missense variant that changes the amino acid at codon 382 from Glycine to Aspartic acid. This variant has been observed in at least one proband with hypochondroplasia (PMID:29080836). The variant was found to segregate with disease in at least one affected family (PMID:29080836). At least one functional study has demonstrated a substantial alteration in protein function relative to the wild-type (PMID:11429702). It is absent or not present at a significant frequency in gnomAD. In silico models predict that this variant is possibly or probably damaging. In conclusion, we classify FGFR3 p.Gly382Asp (c.1145G>A) as a likely pathogenic variant.

Literature cited by the submitters: PubMed 30349651; PubMed 14715624; PubMed 15598814; PubMed 17565424; PubMed 18794123; PubMed 19286672; PubMed 16467200; PubMed 11429702; PubMed 29080836; PubMed 25311528; PubMed 30681580; PubMed 28403213; PubMed 26003532; PubMed 12042702; PubMed 16338952; PubMed 17785202; PubMed 20542753; PubMed 26282654; PubMed 18611372; PubMed 14656381.

NM_000142.5(FGFR3):c.1145G>A (p.Gly382Asp)

Gene: FGFR3 (fibroblast growth factor receptor 3; plus strand). Cytogenetic location: 4p16.3.
Variant type: single nucleotide variant.
Coding change: c.1145G>A on transcript NM_000142.5 (MANE Select); coding-DNA position 1145, G replaced by A.
Protein change: p.Gly382Asp; replaces glycine 382 with aspartic acid.
Molecular consequence: missense variant. On other transcripts: non-coding transcript variant (1), intron variant (1).
Genome position (GRCh38, 1-based): chr4:1,804,399, G>A. VCF-style: chr4-1804399-G-A. GRCh37 (hg19) VCF-style: chr4-1806126-G-A.
Other names: c.1151G>A, p.Gly384Asp (NM_001163213.2); c.1145G>A, p.Gly382Asp (NM_001354809.2, NM_001354810.2); c.931-425G>A (NM_022965.4); short protein forms G382D, G384D.
Identifiers: ClinVar variation 4857847 (VCV004857847.1).